The following is an entry in ClinVar:

ClinVar aggregate classification (germline): Likely pathogenic. Review status: criteria provided, multiple submitters, no conflicts (2 of 4 stars). 3 submissions from 3 submitters: Likely pathogenic (3). Last evaluated 2025-07-30.

Conditions:
KIF7-related disorder. Also called: KIF7-related condition.
Hydrolethalus syndrome 2 (HLS2). Identifiers: Orphanet 2189, MedGen C3279899, MONDO:0013585, OMIM 614120.
Acrocallosal syndrome (ACLS). Also called: HALLUX DUPLICATION, POSTAXIAL POLYDACTYLY, AND ABSENCE OF CORPUS CALLOSUM; Absence of corpus callosum with unusual facial appearance, mental deficiency, duplication of the halluces and polydactyly; Schinzel syndrome 1. Identifiers: Orphanet 36, MedGen C0796147, MONDO:0008708, OMIM 200990.

Allele frequency attached by ClinVar (database versions not stated): gnomAD exomes 0.00001; ExAC 0.00002.
gnomAD v4.1: 39 of 1,581,636 alleles (0.0025%); highest among the groups gnomAD compares: Non-Finnish European, 0.0033%; no homozygotes.

Submissions (3):

Labcorp Genetics (formerly Invitae), Labcorp
Classification: Likely pathogenic for Acrocallosal syndrome. Last evaluated: 2025-07-30. Review status: criteria provided, single submitter. Criteria: Invitae Variant Classification Sherloc (09022015). Collection method: clinical testing. Allele origin: germline.
Comment: This sequence change affects an acceptor splice site in intron 6 of the KIF7 gene. It is expected to disrupt RNA splicing. Variants that disrupt the donor or acceptor splice site typically lead to a loss of protein function (PMID: 16199547), and loss-of-function variants in KIF7 are known to be pathogenic (PMID: 19666503, 21552264, 21633164, 26648833). This variant is present in population databases (rs763238645, gnomAD 0.002%). This variant has not been reported in the literature in individuals affected with KIF7-related conditions. ClinVar contains an entry for this variant (Variation ID: 1334544). Algorithms developed to predict the effect of sequence changes on RNA splicing suggest that this variant may disrupt the consensus splice site. In summary, the currently available evidence indicates that the variant is pathogenic, but additional data are needed to prove that conclusively. Therefore, this variant has been classified as Likely Pathogenic.

Greenwood Genetic Center Diagnostic Laboratories, Greenwood Genetic Center
Classification: Likely pathogenic for Hydrolethalus syndrome 2. Last evaluated: 2021-08-20. Review status: criteria provided, single submitter. Criteria: ACMG Guidelines, 2015. Collection method: clinical testing. Allele origin: germline. Affected: yes.
Comment: PVS1, PM2

Blueprint Genetics
Classification: Likely pathogenic for KIF7-related disorders. Last evaluated: 2019-01-23. Review status: criteria provided, single submitter. Criteria: ACMG Guidelines, 2015. Collection method: clinical testing. Allele origin: germline. Affected: yes. Observed: 1 variant allele.

Literature cited by the submitters: PubMed 16199547 (cited by Labcorp Genetics (formerly Invitae), Labcorp); PubMed 19666503 (cited by Labcorp Genetics (formerly Invitae), Labcorp); PubMed 21552264 (cited by Labcorp Genetics (formerly Invitae), Labcorp); PubMed 21633164 (cited by Labcorp Genetics (formerly Invitae), Labcorp); PubMed 26648833 (cited by Labcorp Genetics (formerly Invitae), Labcorp).

NM_198525.3(KIF7):c.1561-1G>A

Gene: KIF7 (kinesin family member 7; minus strand). Cytogenetic location: 15q26.1.
Variant type: single nucleotide variant.
Coding change: c.1561-1G>A on transcript NM_198525.3 (MANE Select); the canonical splice acceptor site of the intron before coding-DNA position 1561, G replaced by A.
Molecular consequence: splice acceptor variant.
Genome position (GRCh38, 1-based): chr15:89,647,058, C>T on the plus strand (G>A on the coding strand, the complement: KIF7 is on the minus strand). VCF-style: chr15-89647058-C-T. GRCh37 (hg19) VCF-style: chr15-90190289-C-T.
Identifiers: ClinVar variation 1334544 (VCV001334544.10), dbSNP rs763238645, ClinGen allele CA7728520.